The following is an entry in ClinVar:

ClinVar aggregate classification (germline): Uncertain significance. Review status: criteria provided, multiple submitters, no conflicts (2 of 4 stars). 2 submissions from 2 submitters: Uncertain significance (2). Last evaluated 2024-12-28.

Conditions:
Inborn genetic diseases. Identifiers: MedGen C0950123, MeSH D030342.
Gnathodiaphyseal dysplasia (GDD). Also called: GNATHODIAPHYSEAL SCLEROSIS; OSTEOGENESIS IMPERFECTA WITH UNUSUAL SKELETAL LESIONS. Identifiers: Orphanet 53697, MedGen C1833736, MONDO:0008151, OMIM 166260.
Autosomal recessive limb-girdle muscular dystrophy type 2L (LGMDR12). Also called: Limb-girdle muscular dystrophy, type 2L; MUSCULAR DYSTROPHY, LIMB-GIRDLE, AUTOSOMAL RECESSIVE 12; Limb-Girdle Muscular Dystrophy R12 Anoctamin-5-Related (LGMD-R12). Identifiers: Orphanet 206549, MedGen C1969785, MONDO:0012652, OMIM 611307.

gnomAD v4.1: 3 of 1,612,664 alleles (0.00019%); highest among the groups gnomAD compares: Non-Finnish European, 0.00025%; no homozygotes.

Submissions (2):

Ambry Genetics
Classification: Uncertain significance for Inborn genetic diseases. Last evaluated: 2024-12-28. Review status: criteria provided, single submitter. Criteria: Ambry Variant Classification Scheme 2023. Collection method: clinical testing. Allele origin: germline.

Labcorp Genetics (formerly Invitae), Labcorp
Classification: Uncertain significance for Autosomal recessive limb-girdle muscular dystrophy type 2L; Gnathodiaphyseal dysplasia. Last evaluated: 2024-06-04. Review status: criteria provided, single submitter. Criteria: Invitae Variant Classification Sherloc (09022015). Collection method: clinical testing. Allele origin: germline.
Comment: This sequence change replaces tyrosine, which is neutral and polar, with phenylalanine, which is neutral and non-polar, at codon 459 of the ANO5 protein (p.Tyr459Phe). This variant is not present in population databases (gnomAD no frequency). This variant has not been reported in the literature in individuals affected with ANO5-related conditions. Advanced modeling of protein sequence and biophysical properties (such as structural, functional, and spatial information, amino acid conservation, physicochemical variation, residue mobility, and thermodynamic stability) performed at Invitae indicates that this missense variant is not expected to disrupt ANO5 protein function with a negative predictive value of 95%. Algorithms developed to predict the effect of sequence changes on RNA splicing suggest that this variant may disrupt the consensus splice site. In summary, the available evidence is currently insufficient to determine the role of this variant in disease. Therefore, it has been classified as a Variant of Uncertain Significance.

NM_213599.3(ANO5):c.1376A>T (p.Tyr459Phe)

Gene: ANO5 (anoctamin 5; plus strand). Cytogenetic location: 11p14.3.
Variant type: single nucleotide variant.
Coding change: c.1376A>T on transcript NM_213599.3 (MANE Select); coding-DNA position 1376, A replaced by T.
Protein change: p.Tyr459Phe; replaces tyrosine 459 with phenylalanine.
Molecular consequence: missense variant.
Genome position (GRCh38, 1-based): chr11:22,257,723, A>T. VCF-style: chr11-22257723-A-T. GRCh37 (hg19) VCF-style: chr11-22279269-A-T.
Other names: c.1373A>T, p.Tyr458Phe (NM_001142649.2); c.1334A>T, p.Tyr445Phe (NM_001410963.1); c.1331A>T, p.Tyr444Phe (NM_001410964.1); short protein forms Y444F, Y445F, Y458F, Y459F.
Identifiers: ClinVar variation 3760988 (VCV003760988.3).
Genomic context (GRCh38, chr11:22,257,723, plus strand): 5'-TTTCTTCAATATTACAGGAGATGGAACCTTACATGCCTCTATACACGCGTATTCCATGGT[A>T]CTTTCTTTCAGGAGCCACAGTGACATTATGGGTGAGCATTTCTTTAAAAATTGCTATAAT-3'
Protein context (NP_998764.1, residues 449-469): YMPLYTRIPW[Tyr459Phe]FLSGATVTLW